The following is an entry in ClinVar:

NM_013338.5(ALG5):c.704A>T (p.Gln235Leu)

Gene: ALG5 (ALG5 dolichyl-phosphate beta-glucosyltransferase; minus strand). Cytogenetic location: 13q13.3.
Variant type: single nucleotide variant.
Coding change: c.704A>T on transcript NM_013338.5 (MANE Select); coding-DNA position 704, A replaced by T.
Protein change: p.Gln235Leu; replaces glutamine 235 with leucine.
Molecular consequence: missense variant.
Genome position (GRCh38, 1-based): chr13:36,965,644, T>A on the plus strand (A>T on the coding strand, the complement: ALG5 is on the minus strand). VCF-style: chr13-36965644-T-A. GRCh37 (hg19) VCF-style: chr13-37539781-T-A.
Other names: c.614A>T, p.Gln205Leu (NM_001142364.1); short protein forms Q205L, Q235L.
Identifiers: ClinVar variation 3764803 (VCV003764803.1).

ClinVar aggregate classification (germline): Uncertain significance (1 of 4 stars; one submission).

Conditions:
Polycystic kidney disease 7 (PKD7). Identifiers: MedGen C5774222, MONDO:0031062, OMIM 620056.

Submission:

MVZ Medizinische Genetik Mainz
Classification: Uncertain significance for Polycystic kidney disease 7. Last evaluated: 2025-02-03. Review status: criteria provided, single submitter. Criteria: UK Practice Guidelines For Variant Classification V4 01 2020. Collection method: clinical testing. Allele origin: germline. Inheritance: Autosomal dominant inheritance. Affected: yes. Observed: 1 variant allele.
Comment: ACMG Criteria: PM2_SUP,PP3